The following is an entry in ClinVar:

ClinVar aggregate classification (germline): Uncertain significance (1 of 4 stars; one submission).

Submission:

Labcorp Genetics (formerly Invitae), Labcorp
Classification: Uncertain significance. Last evaluated: 2022-05-09. Review status: criteria provided, single submitter. Criteria: Invitae Variant Classification Sherloc (09022015). Collection method: clinical testing. Allele origin: germline.
Comment: This variant has not been reported in the literature in individuals affected with ATF6-related conditions. Algorithms developed to predict the effect of missense changes on protein structure and function are either unavailable or do not agree on the potential impact of this missense change (SIFT: "Tolerated"; PolyPhen-2: "Possibly Damaging"; Align-GVGD: "Class C0"). In summary, the available evidence is currently insufficient to determine the role of this variant in disease. Therefore, it has been classified as a Variant of Uncertain Significance. This sequence change replaces threonine, which is neutral and polar, with asparagine, which is neutral and polar, at codon 202 of the ATF6 protein (p.Thr202Asn). This variant is not present in population databases (gnomAD no frequency).

NM_007348.4(ATF6):c.605C>A (p.Thr202Asn)

Gene: ATF6 (activating transcription factor 6; plus strand). Cytogenetic location: 1q23.3.
Variant type: single nucleotide variant.
Coding change: c.605C>A on transcript NM_007348.4 (MANE Select); coding-DNA position 605, C replaced by A.
Protein change: p.Thr202Asn; replaces threonine 202 with asparagine.
Molecular consequence: missense variant.
Genome position (GRCh38, 1-based): chr1:161,792,244, C>A. VCF-style: chr1-161792244-C-A. GRCh37 (hg19) VCF-style: chr1-161762034-C-A.
Other names: c.605C>A, p.Thr202Asn (NM_001410890.1); short protein forms T202N.
Identifiers: ClinVar variation 2128404 (VCV002128404.4), dbSNP rs2525155815, ClinGen allele CA343386578.
Genomic context (GRCh38, chr1:161,792,244, plus strand): 5'-AGCCTTTATTGCTTCCAGCAGCACCCAAGACTCAAACAAACTCCAGTGTTCCAGCAAAAA[C>A]CATCATTATTCAGACAGTACCAACGCTTATGCCATTGGCAAAGCAGCAACCAATTATCAG-3'
Protein context (NP_031374.2, residues 192-212): TQTNSSVPAK[Thr202Asn]IIIQTVPTLM